The following is an entry in ClinVar:

NM_004453.4(ETFDH):c.1648C>T (p.Leu550=)

Gene: ETFDH (electron transfer flavoprotein dehydrogenase; plus strand). Cytogenetic location: 4q32.1.
Variant type: single nucleotide variant.
Coding change: c.1648C>T on transcript NM_004453.4 (MANE Select); coding-DNA position 1648, C replaced by T.
Protein change: p.Leu550=; no amino-acid change (leucine 550 retained).
Molecular consequence: synonymous variant.
Genome position (GRCh38, 1-based): chr4:158,706,808, C>T. VCF-style: chr4-158706808-C-T. GRCh37 (hg19) VCF-style: chr4-159627960-C-T.
Other names: c.1507C>T, p.Leu503= (NM_001281737.2); c.1465C>T, p.Leu489= (NM_001281738.1).
Identifiers: ClinVar variation 3043821 (VCV003043821.2), dbSNP rs1774635825, ClinGen allele CA442139837.

ClinVar aggregate classification (germline): Likely benign (0 of 4 stars; one submission).

Conditions:
ETFDH-related disorder. Also called: ETFDH-related condition.

Allele frequency attached by ClinVar (database versions not stated): gnomAD exomes below 0.00001.

Submission:

PreventionGenetics, part of Exact Sciences
Classification: Likely benign for ETFDH-related condition. Last evaluated: 2022-10-21. Review status: no assertion criteria provided. Collection method: clinical testing. Allele origin: germline.
Comment: This variant is classified as likely benign based on ACMG/AMP sequence variant interpretation guidelines (Richards et al. 2015 PMID: 25741868, with internal and published modifications).